The following is an entry in ClinVar:

ClinVar aggregate classification (germline): Uncertain significance. Review status: criteria provided, multiple submitters, no conflicts (2 of 4 stars). 2 submissions from 2 submitters: Uncertain significance (2). Last evaluated 2025-01-31.

Conditions:
Inborn genetic diseases. Identifiers: MedGen C0950123, MeSH D030342.

gnomAD v4.1: 2 of 1,614,164 alleles (0.00012%); highest among the groups gnomAD compares: Admixed American, 0.0017%; no homozygotes.

Submissions (2):

Ambry Genetics
Classification: Uncertain significance for Inborn genetic diseases. Last evaluated: 2025-01-31. Review status: criteria provided, single submitter. Criteria: Ambry Variant Classification Scheme 2023. Collection method: clinical testing. Allele origin: germline.

Labcorp Genetics (formerly Invitae), Labcorp
Classification: Uncertain significance. Last evaluated: 2024-12-28. Review status: criteria provided, single submitter. Criteria: Invitae Variant Classification Sherloc (09022015). Collection method: clinical testing. Allele origin: germline.
Comment: This sequence change replaces threonine, which is neutral and polar, with isoleucine, which is neutral and non-polar, at codon 1455 of the TCF20 protein (p.Thr1455Ile). This variant is not present in population databases (gnomAD no frequency). This variant has not been reported in the literature in individuals affected with TCF20-related conditions. An algorithm developed to predict the effect of missense changes on protein structure and function (PolyPhen-2) suggests that this variant is likely to be tolerated. In summary, the available evidence is currently insufficient to determine the role of this variant in disease. Therefore, it has been classified as a Variant of Uncertain Significance.

NM_001378418.1(TCF20):c.4364C>T (p.Thr1455Ile)

Gene: TCF20 (transcription factor 20; minus strand). Cytogenetic location: 22q13.2.
Variant type: single nucleotide variant.
Coding change: c.4364C>T on transcript NM_001378418.1 (MANE Select); coding-DNA position 4364, C replaced by T.
Protein change: p.Thr1455Ile; replaces threonine 1455 with isoleucine.
Molecular consequence: missense variant.
Genome position (GRCh38, 1-based): chr22:42,210,942, G>A on the plus strand (C>T on the coding strand, the complement: TCF20 is on the minus strand). VCF-style: chr22-42210942-G-A. GRCh37 (hg19) VCF-style: chr22-42606948-G-A.
Other names: c.4364C>T (NM_005650.1); c.4364C>T, p.Thr1455Ile (NM_005650.4, NM_181492.3); short protein forms T1455I.
Identifiers: ClinVar variation 3677985 (VCV003677985.3).